The following is an entry in ClinVar:

ClinVar aggregate classification (germline): Uncertain significance (1 of 4 stars; one submission).

Conditions:
Hyperphosphatasia with impaired intellectual development syndrome 2. Also called: Hyperphosphatasia with intellectual disability syndrome 2; GLYCOSYLPHOSPHATIDYLINOSITOL BIOSYNTHESIS DEFECT 6. Identifiers: Orphanet 247262, MedGen C3553637, MONDO:0013882, OMIM 614749.

Submission:

Labcorp Genetics (formerly Invitae), Labcorp
Classification: Uncertain significance for Hyperphosphatasia with impaired intellectual development syndrome 2. Last evaluated: 2020-10-08. Review status: criteria provided, single submitter. Criteria: Invitae Variant Classification Sherloc (09022015). Collection method: clinical testing. Allele origin: germline.
Comment: This variant has not been reported in the literature in individuals with PIGO-related conditions. This sequence change replaces leucine with methionine at codon 1085 of the PIGO protein (p.Leu1085Met). The leucine residue is moderately conserved and there is a small physicochemical difference between leucine and methionine. This variant is not present in population databases (ExAC no frequency). Algorithms developed to predict the effect of missense changes on protein structure and function are either unavailable or do not agree on the potential impact of this missense change (SIFT: "Tolerated"; PolyPhen-2: "Probably Damaging"; Align-GVGD: "Class C0"). In summary, the available evidence is currently insufficient to determine the role of this variant in disease. Therefore, it has been classified as a Variant of Uncertain Significance.

NM_032634.4(PIGO):c.3253C>A (p.Leu1085Met)

Gene: PIGO (phosphatidylinositol glycan anchor biosynthesis class O; minus strand). Cytogenetic location: 9p13.3.
Variant type: single nucleotide variant.
Coding change: c.3253C>A on transcript NM_032634.4 (MANE Select); coding-DNA position 3253, C replaced by A.
Protein change: p.Leu1085Met; replaces leucine 1085 with methionine.
Molecular consequence: missense variant.
Genome position (GRCh38, 1-based): chr9:35,089,109, G>T on the plus strand (C>A on the coding strand, the complement: PIGO is on the minus strand). VCF-style: chr9-35089109-G-T. GRCh37 (hg19) VCF-style: chr9-35089106-G-T.
Other names: c.2002C>A, p.Leu668Met (NM_001201484.2, NM_152850.4); short protein forms L1085M, L668M.
Identifiers: ClinVar variation 999991 (VCV000999991.8), dbSNP rs1829299184, ClinGen allele CA373316808.